The following is an entry in ClinVar:

NM_000051.4(ATM):c.799A>G (p.Thr267Ala)

Gene: ATM (ATM serine/threonine kinase; plus strand). Cytogenetic location: 11q22.3.
Variant type: single nucleotide variant.
Coding change: c.799A>G on transcript NM_000051.4 (MANE Select); coding-DNA position 799, A replaced by G.
Protein change: p.Thr267Ala; replaces threonine 267 with alanine.
Molecular consequence: missense variant.
Genome position (GRCh38, 1-based): chr11:108,244,924, A>G. VCF-style: chr11-108244924-A-G. GRCh37 (hg19) VCF-style: chr11-108115651-A-G.
Other names: c.799A>G, p.Thr267Ala (NM_001351834.2); short protein forms T267A.
Identifiers: ClinVar variation 234262 (VCV000234262.28), dbSNP rs876660962, ClinGen allele CA10577424.
Genomic context (GRCh38, chr11:108,244,924, plus strand): 5'-TTTCGAATTCGAGTGTGTGAATTAGGAGATGAAATTCTTCCCACTTTGCTTTATATTTGG[A>G]CTCAACATAGGCTTAATGATTCTTTAAAAGAAGTCATTATTGAATTATTTCAACTGCAAA-3'
Protein context (NP_000042.3, residues 257-277): EILPTLLYIW[Thr267Ala]QHRLNDSLKE

ClinVar aggregate classification (germline): Conflicting classifications of pathogenicity. Review status: criteria provided, conflicting classifications (1 of 4 stars). 8 submissions from 8 submitters: Uncertain significance (6); Likely benign (1). 1 of the submissions does not count toward it. Last evaluated 2026-09-18.

Conditions:
ATM-related disorder. Also called: ATM-related disorders; ATM-related condition.
Familial cancer of breast. Also called: BREAST CANCER, FAMILIAL; Hereditary breast cancer; hereditary breast carcinoma. Identifiers: Orphanet 227535, MedGen C0346153, MONDO:0016419, OMIM 114480. Disease mechanism: loss of function.
Ataxia-telangiectasia syndrome (AT). Also called: LOUIS-BAR SYNDROME; Ataxia-telangiectasia, complementation group D; AT, COMPLEMENTATION GROUP C; Ataxia telangiectasia (A-T); ATAXIA-TELANGIECTASIA, COMPLEMENTATION GROUP A; ATAXIA-TELANGIECTASIA, FRESNO VARIANT. Identifiers: Orphanet 100, MedGen C0004135, MONDO:0008840, OMIM 208900.
Hereditary cancer-predisposing syndrome. Also called: Neoplastic Syndromes, Hereditary; Hereditary neoplastic syndrome; Hereditary Cancer Syndrome; Tumor predisposition. Identifiers: Orphanet 140162, MedGen C0027672, MeSH D009386, MONDO:0015356.

Allele frequency attached by ClinVar (database versions not stated): gnomAD exomes below 0.00001.
gnomAD v4.1: 2 of 1,613,408 alleles (0.00012%); highest among the groups gnomAD compares: Non-Finnish European, 0.000085%; no homozygotes.

Submissions (8):

PreventionGenetics, part of Exact Sciences
Classification: Uncertain significance for ATM-related condition. Last evaluated: 2026-09-18. Review status: criteria provided, single submitter. Criteria: ACMG Guidelines, 2015. Collection method: clinical testing. Allele origin: germline.
Comment: The ATM c.799A>G variant is predicted to result in the amino acid substitution p.Thr267Ala. This variant has been reported in one individual with breast cancer, as well as an unaffected control individual (Breast Cancer Association Consortium et al. 2021. PubMed ID: 33471991). This variant has not been reported in a large population database (gnomAD), indicating this variant is rare. This variant has conflicting interpretations of pathogenicity in the ClinVar database ranging from uncertain to likely benign (Variation ID: 234262). At this time, the clinical significance of this variant is uncertain due to the absence of conclusive functional and genetic evidence.

Labcorp Genetics (formerly Invitae), Labcorp
Classification: Uncertain significance for Ataxia-telangiectasia syndrome. Last evaluated: 2026-01-12. Review status: criteria provided, single submitter. Criteria: Invitae Variant Classification Sherloc (09022015). Collection method: clinical testing. Allele origin: germline.
Comment: This sequence change replaces threonine, which is neutral and polar, with alanine, which is neutral and non-polar, at codon 267 of the ATM protein (p.Thr267Ala). This variant is not present in population databases (gnomAD no frequency). This variant has not been reported in the literature in individuals affected with ATM-related conditions. ClinVar contains an entry for this variant (Variation ID: 234262). Invitae Evidence Modeling of protein sequence and biophysical properties (such as structural, functional, and spatial information, amino acid conservation, physicochemical variation, residue mobility, and thermodynamic stability) indicates that this missense variant is not expected to disrupt ATM protein function with a negative predictive value of 95%. In summary, the available evidence is currently insufficient to determine the role of this variant in disease. Therefore, it has been classified as a Variant of Uncertain Significance.

Ambry Genetics
Classification: Likely benign for Hereditary cancer-predisposing syndrome. Last evaluated: 2024-09-14. Review status: criteria provided, single submitter. Criteria: Ambry Variant Classification Scheme 2023. Collection method: clinical testing. Allele origin: germline.

Quest Diagnostics Nichols Institute San Juan Capistrano
Classification: Uncertain significance. Last evaluated: 2024-07-02. Review status: criteria provided, single submitter. Criteria: Quest Diagnostics criteria. Collection method: clinical testing. Allele origin: unknown.

Color Diagnostics, LLC DBA Color Health
Classification: Uncertain significance for Hereditary cancer-predisposing syndrome. Last evaluated: 2024-03-06. Review status: criteria provided, single submitter. Criteria: ACMG Guidelines, 2015. Collection method: clinical testing. Allele origin: germline.
Comment: This missense variant replaces threonine with alanine at codon 267 of the ATM protein. Computational prediction suggests that this variant may not impact protein structure and function (internally defined REVEL score threshold <= 0.5, PMID: 27666373). To our knowledge, functional studies have not been reported for this variant. This variant has not been reported in individuals affected with hereditary cancer in the literature. This variant has not been identified in the general population by the Genome Aggregation Database (gnomAD). The available evidence is insufficient to determine the role of this variant in disease conclusively. Therefore, this variant is classified as a Variant of Uncertain Significance.

Fulgent Genetics
Classification: Uncertain significance for Familial cancer of breast; Ataxia-telangiectasia syndrome. Last evaluated: 2022-05-17. Review status: criteria provided, single submitter. Criteria: ACMG Guidelines, 2015. Collection method: clinical testing. Allele origin: unknown.

GeneDx
Classification: Uncertain significance. Last evaluated: 2017-07-26. Review status: criteria provided, single submitter. Criteria: GeneDx Variant Classification (06012015). Collection method: clinical testing. Allele origin: germline. Affected: yes.
Comment: This variant is denoted ATM c.799A>G at the cDNA level, p.Thr267Ala (T267A) at the protein level, and results in the change of a Threonine to an Alanine (ACT>GCT). This variant has not, to our knowledge, been published in the literature as pathogenic or benign. ATM Thr267Ala was not observed in large population cohorts (NHLBI Exome Sequencing Project, The 1000 Genomes Consortium 2015, Lek 2016). Since Threonine and Alanine differ in polarity, charge, size or other properties, this is considered a non-conservative amino acid substitution. ATM Thr267Ala occurs at a position that is not conserved and is not located in a known functional domain. In silico analyses are inconsistent regarding the effect this variant may have on protein structure and function. Based on currently available evidence, it is unclear whether ATM Thr267Ala is a pathogenic or benign variant. We consider it to be a variant of uncertain significance.

Natera, Inc.
Classification: Uncertain significance for Ataxia-telangiectasia. Last evaluated: 2020-02-21. Review status: no assertion criteria provided. Collection method: clinical testing. Allele origin: germline. Not counted in ClinVar's aggregate classification.

Literature cited by the submitters: PubMed 33471991 (cited by Quest Diagnostics Nichols Institute San Juan Capistrano).